The following is an entry in ClinVar:

NM_000136.3(FANCC):c.813G>T (p.Arg271Ser)

Genes: AOPEP (aminopeptidase O (putative); plus strand), FANCC (FA complementation group C; minus strand). Cytogenetic location: 9q22.32.
Variant type: single nucleotide variant.
Coding change: c.813G>T on transcript NM_000136.3 (MANE Select); coding-DNA position 813, G replaced by T.
Protein change: p.Arg271Ser; replaces arginine 271 with serine.
Molecular consequence: missense variant.
Genome position (GRCh38, 1-based): chr9:95,135,376, C>A on the plus strand (G>T on the coding strand, the complement: FANCC is on the minus strand). VCF-style: chr9-95135376-C-A. GRCh37 (hg19) VCF-style: chr9-97897658-C-A.
Other names: c.813G>T, p.Arg271Ser (NM_001243743.2, NM_001243744.2); c.813G>T (NM_000136.2); short protein forms R271S.
Identifiers: ClinVar variation 1387668 (VCV001387668.9), dbSNP rs2135165634, ClinGen allele CA374109231.

ClinVar aggregate classification (germline): Uncertain significance. Review status: criteria provided, multiple submitters, no conflicts (2 of 4 stars). 2 submissions from 2 submitters: Uncertain significance (2). Last evaluated 2025-08-14.

Conditions:
Hereditary cancer-predisposing syndrome. Also called: Neoplastic Syndromes, Hereditary; Tumor predisposition; Hereditary neoplastic syndrome; Hereditary Cancer Syndrome. Identifiers: Orphanet 140162, MedGen C0027672, MeSH D009386, MONDO:0015356.
Fanconi anemia (FA). Also called: Fanconi's anemia. Identifiers: Orphanet 84, MedGen C0015625, MeSH D005199, MONDO:0019391.

gnomAD v4.1: 5 of 1,614,098 alleles (0.00031%); highest among the groups gnomAD compares: Non-Finnish European, 0.00042%; no homozygotes.

Submissions (2):

Ambry Genetics
Classification: Uncertain significance for Hereditary cancer-predisposing syndrome. Last evaluated: 2025-08-14. Review status: criteria provided, single submitter. Criteria: Ambry Variant Classification Scheme 2023. Collection method: clinical testing. Allele origin: germline.
Comment: The p.R271S variant (also known as c.813G>T), located in coding exon 7 of the FANCC gene, results from a G to T substitution at nucleotide position 813. The arginine at codon 271 is replaced by serine, an amino acid with dissimilar properties. This amino acid position is conserved. In addition, this alteration is predicted to be tolerated by in silico analysis. Based on the available evidence, the clinical significance of this variant remains unclear.

Labcorp Genetics (formerly Invitae), Labcorp
Classification: Uncertain significance for Fanconi anemia. Last evaluated: 2024-09-02. Review status: criteria provided, single submitter. Criteria: Invitae Variant Classification Sherloc (09022015). Collection method: clinical testing. Allele origin: germline.
Comment: This sequence change replaces arginine, which is basic and polar, with serine, which is neutral and polar, at codon 271 of the FANCC protein (p.Arg271Ser). This variant is not present in population databases (gnomAD no frequency). This variant has not been reported in the literature in individuals affected with FANCC-related conditions. ClinVar contains an entry for this variant (Variation ID: 1387668). Invitae Evidence Modeling of protein sequence and biophysical properties (such as structural, functional, and spatial information, amino acid conservation, physicochemical variation, residue mobility, and thermodynamic stability) indicates that this missense variant is not expected to disrupt FANCC protein function with a negative predictive value of 80%. In summary, the available evidence is currently insufficient to determine the role of this variant in disease. Therefore, it has been classified as a Variant of Uncertain Significance.